The following is an entry in ClinVar:

NM_000268.4(NF2):c.576C>T (p.Tyr192=)

Gene: NF2 (NF2, moesin-ezrin-radixin like (MERLIN) tumor suppressor; plus strand). Cytogenetic location: 22q12.2.
Variant type: single nucleotide variant.
Coding change: c.576C>T on transcript NM_000268.4 (MANE Select); coding-DNA position 576, C replaced by T.
Protein change: p.Tyr192=; no amino-acid change (tyrosine 192 retained).
Molecular consequence: synonymous variant. On other transcripts: non-coding transcript variant (1), intron variant (1).
Genome position (GRCh38, 1-based): chr22:29,655,653, C>T. VCF-style: chr22-29655653-C-T. GRCh37 (hg19) VCF-style: chr22-30051642-C-T.
Other names: c.576C>T, p.Tyr192= (NM_016418.5, NM_181825.3, NM_181832.3); c.450C>T, p.Tyr150= (NM_181828.3); c.453C>T, p.Tyr151= (NM_181829.3); c.327C>T, p.Tyr109= (NM_181830.3, NM_181831.3); c.447+13368C>T (NM_181833.3).
Identifiers: ClinVar variation 417141 (VCV000417141.42), dbSNP rs149803133, ClinGen allele CA034070.

ClinVar aggregate classification (germline): Likely benign. Review status: criteria provided, multiple submitters, no conflicts (2 of 4 stars). 7 submissions from 7 submitters: Likely benign (7). Last evaluated 2026-01-13.

Conditions:
Hereditary cancer-predisposing syndrome. Also called: Tumor predisposition; Hereditary neoplastic syndrome; Hereditary Cancer Syndrome; Neoplastic Syndromes, Hereditary. Identifiers: Orphanet 140162, MedGen C0027672, MeSH D009386, MONDO:0015356.
Neurofibromatosis, type 2 (SWNV). Also called: BILATERAL ACOUSTIC NEUROFIBROMATOSIS; NF2-Related Schwannomatosis; SCHWANNOMATOSIS, VESTIBULAR. Identifiers: Orphanet 637, MedGen C0027832, MONDO:0007039, OMIM 101000. Disease mechanism: loss of function.

Allele frequency attached by ClinVar (database versions not stated): ExAC 0.00002; gnomAD 0.00003 and 0.00004; gnomAD exomes 0.00003 and 0.00004; TOPMed 0.00003; ESP Exome Variant Server 0.00008.
gnomAD v4.1: 42 of 1,612,654 alleles (0.0026%); highest among the groups gnomAD compares: Admixed American, 0.012%; no homozygotes.

Submissions (7):

Labcorp Genetics (formerly Invitae), Labcorp
Classification: Likely benign for Neurofibromatosis, type 2. Last evaluated: 2026-01-13. Review status: criteria provided, single submitter. Criteria: Invitae Variant Classification Sherloc (09022015). Collection method: clinical testing. Allele origin: germline.

Laboratory of Genetics, Children's Clinical University Hospital Latvia
Classification: Likely benign. Last evaluated: 2025-02-16. Review status: criteria provided, single submitter. Criteria: ACMG Guidelines, 2015. Collection method: clinical testing. Allele origin: germline. Affected: yes.

Blueprint Genetics
Classification: Likely benign. Last evaluated: 2024-10-24. Review status: criteria provided, single submitter. Criteria: ACMG Guidelines, 2015. Collection method: clinical testing. Allele origin: germline.

All of Us Research Program, National Institutes of Health
Classification: Likely benign for Neurofibromatosis, type 2. Last evaluated: 2024-09-11. Review status: criteria provided, single submitter. Criteria: ACMG Guidelines, 2015. Collection method: clinical testing. Allele origin: germline. Inheritance: Autosomal dominant inheritance. Observed: 20 variant alleles, 20 heterozygotes.
Comment: This study involves interpretation of variants in research participants for the purpose of population health screening. Participant phenotype was not available at the time of variant classification. Additional details can be found in publication PMID: 35346344, PMCID: PMC8962531

CeGaT Center for Human Genetics Tuebingen
Classification: Likely benign. Last evaluated: 2024-07-01. Review status: criteria provided, single submitter. Criteria: CeGaT Center For Human Genetics Tuebingen Variant Classification Criteria Version 2. Collection method: clinical testing. Allele origin: germline. Affected: yes. Observed: 1 variant allele.
Comment: NF2: BP4, BP7

Color Diagnostics, LLC DBA Color Health
Classification: Likely benign for Neurofibromatosis, type 2. Last evaluated: 2024-02-14. Review status: criteria provided, single submitter. Criteria: ACMG Guidelines, 2015. Collection method: clinical testing. Allele origin: germline.

Ambry Genetics
Classification: Likely benign for Hereditary cancer-predisposing syndrome. Last evaluated: 2018-11-27. Review status: criteria provided, single submitter. Criteria: Ambry Variant Classification Scheme 2023. Collection method: clinical testing. Allele origin: germline.